The following is an entry in ClinVar:

NM_000535.7(PMS2):c.779C>A (p.Ser260Tyr)

Gene: PMS2 (PMS1 homolog 2, mismatch repair system component; minus strand). Cytogenetic location: 7p22.1.
Variant type: single nucleotide variant.
Coding change: c.779C>A on transcript NM_000535.7 (MANE Select); coding-DNA position 779, C replaced by A.
Protein change: p.Ser260Tyr; replaces serine 260 with tyrosine.
Molecular consequence: missense variant. On other transcripts: 5 prime UTR variant (2), non-coding transcript variant (1).
Genome position (GRCh38, 1-based): chr7:5,997,350, G>T on the plus strand (C>A on the coding strand, the complement: PMS2 is on the minus strand). VCF-style: chr7-5997350-G-T. GRCh37 (hg19) VCF-style: chr7-6036981-G-T.
Other names: c.374C>A, p.Ser125Tyr (NM_001322003.2, NM_001322004.2, NM_001322005.2 and 2 more transcripts); c.779C>A, p.Ser260Tyr (NM_001322006.2, NM_001322014.2); c.461C>A, p.Ser154Tyr (NM_001322007.2, NM_001322008.2); c.-155C>A (NM_001322011.2, NM_001322012.2); c.206C>A, p.Ser69Tyr (NM_001322013.2); c.470C>A, p.Ser157Tyr (NM_001322015.2); short protein forms S260Y, S125Y, S69Y, S154Y, S157Y.
Identifiers: ClinVar variation 525862 (VCV000525862.7), dbSNP rs777286241, ClinGen allele CA366743649.

ClinVar aggregate classification (germline): Uncertain significance. Review status: criteria provided, multiple submitters, no conflicts (2 of 4 stars). 2 submissions from 2 submitters: Uncertain significance (2). Last evaluated 2024-03-01.

Conditions:
Hereditary nonpolyposis colorectal neoplasms. Identifiers: MedGen C0009405, MeSH D003123.
Lynch syndrome 4 (LYNCH4). Also called: Colorectal cancer, hereditary nonpolyposis, type 4; Hereditary non-polyposis colorectal cancer, type 4. Identifiers: Orphanet 144, MedGen C1838333, MONDO:0013699, OMIM 614337. Disease mechanism: loss of function.

Submissions (2):

Labcorp Genetics (formerly Invitae), Labcorp
Classification: Uncertain significance for Hereditary nonpolyposis colorectal neoplasms. Last evaluated: 2024-03-01. Review status: criteria provided, single submitter. Criteria: Invitae Variant Classification Sherloc (09022015). Collection method: clinical testing. Allele origin: germline.
Comment: This sequence change replaces serine, which is neutral and polar, with tyrosine, which is neutral and polar, at codon 260 of the PMS2 protein (p.Ser260Tyr). This variant is not present in population databases (gnomAD no frequency). This variant has not been reported in the literature in individuals affected with PMS2-related conditions. ClinVar contains an entry for this variant (Variation ID: 525862). Advanced modeling of protein sequence and biophysical properties (such as structural, functional, and spatial information, amino acid conservation, physicochemical variation, residue mobility, and thermodynamic stability) has been performed at Invitae for this missense variant, however the output from this modeling did not meet the statistical confidence thresholds required to predict the impact of this variant on PMS2 protein function. In summary, the available evidence is currently insufficient to determine the role of this variant in disease. Therefore, it has been classified as a Variant of Uncertain Significance.

Baylor Genetics
Classification: Uncertain significance for Lynch syndrome 4. Last evaluated: 2023-12-14. Review status: criteria provided, single submitter. Criteria: ACMG Guidelines, 2015. Collection method: clinical testing. Allele origin: unknown.